The following is an entry in ClinVar:

ClinVar aggregate classification (germline): Uncertain significance (1 of 4 stars; one submission).

Submission:

GeneDx
Classification: Uncertain significance. Last evaluated: 2018-11-07. Review status: criteria provided, single submitter. Criteria: GeneDx Variant Classification (06012015). Collection method: clinical testing. Allele origin: germline. Affected: yes.
Comment: The M701I variant in the GRIN2A gene has not been reported previously as a pathogenic variant, nor as a benign variant, to our knowledge. This variant is not observed in large population cohorts (Lek et al., 2016; 1000 Genomes Consortium et al., 2015; Exome Variant Server). The M701I variant is a conservative amino acid substitution, which is not likely to impact secondary protein structure as these residues share similar properties. This substitution occurs at a position that is conserved across species. In silico analysis predicts this variant is probably damaging to the protein structure/function. We interpret M701I as a variant of uncertain significance.

NM_001134407.3(GRIN2A):c.2103G>C (p.Met701Ile)

Gene: GRIN2A (glutamate ionotropic receptor NMDA type subunit 2A; minus strand). Cytogenetic location: 16p13.2.
Variant type: single nucleotide variant.
Coding change: c.2103G>C on transcript NM_001134407.3 (MANE Select); coding-DNA position 2103, G replaced by C.
Protein change: p.Met701Ile; replaces methionine 701 with isoleucine.
Molecular consequence: missense variant.
Genome position (GRCh38, 1-based): chr16:9,822,329, C>G on the plus strand (G>C on the coding strand, the complement: GRIN2A is on the minus strand). VCF-style: chr16-9822329-C-G. GRCh37 (hg19) VCF-style: chr16-9916186-C-G.
Other names: c.2103G>C, p.Met701Ile (NM_000833.5, NM_001134408.2); short protein forms M701I.
Identifiers: ClinVar variation 451068 (VCV000451068.2), dbSNP rs1555491645, ClinGen allele CA394797797.